The following is an entry in ClinVar:

ClinVar aggregate classification (germline): Uncertain significance (1 of 4 stars; one submission).

Conditions:
X-linked severe combined immunodeficiency (SCIDX1). Also called: IMMUNODEFICIENCY 4; SCID, X-LINKED; SEVERE COMBINED IMMUNODEFICIENCY, X-LINKED, T CELL-NEGATIVE, B CELL-POSITIVE, NK CELL-NEGATIVE; X-Linked Combined Immunodeficiency Diseases; T-B+ severe combined immunodeficiency due to gamma chain deficiency. Identifiers: Orphanet 276, MedGen C6022468, MONDO:0010315, OMIM 300400. Disease mechanism: loss of function.

Submission:

Labcorp Genetics (formerly Invitae), Labcorp
Classification: Uncertain significance for X-linked severe combined immunodeficiency. Last evaluated: 2024-07-20. Review status: criteria provided, single submitter. Criteria: Invitae Variant Classification Sherloc (09022015). Collection method: clinical testing. Allele origin: germline.
Comment: This sequence change falls in intron 5 of the IL2RG gene. It does not directly change the encoded amino acid sequence of the IL2RG protein. This variant is not present in population databases (gnomAD no frequency). This variant has not been reported in the literature in individuals affected with IL2RG-related conditions. Algorithms developed to predict the effect of sequence changes on RNA splicing suggest that this variant may disrupt the consensus splice site. In summary, the available evidence is currently insufficient to determine the role of this variant in disease. Therefore, it has been classified as a Variant of Uncertain Significance.

NM_000206.3(IL2RG):c.758-14T>G

Gene: IL2RG (interleukin 2 receptor subunit gamma; minus strand). Cytogenetic location: Xq13.1.
Variant type: single nucleotide variant.
Coding change: c.758-14T>G on transcript NM_000206.3 (MANE Select); 14 bases into the intron before coding-DNA position 758, T replaced by G.
Molecular consequence: intron variant.
Genome position (GRCh38, 1-based): chrX:71,108,709, A>C on the plus strand (T>G on the coding strand, the complement: IL2RG is on the minus strand). VCF-style: chrX-71108709-A-C. GRCh37 (hg19) VCF-style: chrX-70328559-A-C.
Identifiers: ClinVar variation 3622533 (VCV003622533.2).